The following is an entry in ClinVar:

NM_001101.5(ACTB):c.143del (p.Gly48fs)

Gene: ACTB (actin beta; minus strand). Cytogenetic location: 7p22.1.
Variant type: Deletion.
Coding change: c.143del on transcript NM_001101.5 (MANE Select); coding-DNA position 143, one base deleted (G; older notation c.143delG).
Protein change: p.Gly48fs; shifts the reading frame from glycine 48.
Molecular consequence: frameshift variant.
Genome position (GRCh38, 1-based): chr7:5,529,381, C deleted on the plus strand (G on the coding strand, the reverse complement: ACTB is on the minus strand); the first of 3 consecutive C bases (chr7:5,529,381-5,529,383); deleting any one gives the same sequence. VCF-style (leftmost placement, unchanged base first): chr7-5529380-AC-A. GRCh37 (hg19) VCF-style: chr7-5569011-AC-A.
Other names: c.143del (LRG_132t1); c.143delG (NM_001101.3); short protein forms G48fs.
Identifiers: ClinVar variation 524107 (VCV000524107.3), dbSNP rs1554329584, ClinGen allele CA658796897.
Genomic context (GRCh38, chr7:5,529,380, plus strand): 5'-CTTCAGGGTGAGGATGCCTCTCTTGCTCTGGGCCTCGTCGCCCACATAGGAATCCTTCTG[AC>A]CCATGCCCACCATCACGCCCTGGGAAGGAAAGGACAAGAAGCCCTGAGCACGGGCGCAGC-3'

ClinVar aggregate classification (germline): Pathogenic (1 of 4 stars; one submission).

Submission:

GeneDx
Classification: Pathogenic. Last evaluated: 2020-12-07. Review status: criteria provided, single submitter. Criteria: GeneDx Variant Classification Process June 2021. Collection method: clinical testing. Allele origin: germline. Affected: yes.
Comment: Frameshift variant predicted to result in protein truncation or nonsense mediated decay in a gene for which loss-of-function is a known mechanism of disease; Not observed in large population cohorts (Lek et al., 2016)